The following is an entry in ClinVar:

ClinVar aggregate classification (germline): Uncertain significance (1 of 4 stars; one submission).

Allele frequency attached by ClinVar (database versions not stated): gnomAD exomes below 0.00001; TOPMed below 0.00001.
gnomAD v4.1: 4 of 1,614,072 alleles (0.00025%); highest among the groups gnomAD compares: South Asian, 0.0011%; no homozygotes.

Submission:

Labcorp Genetics (formerly Invitae), Labcorp
Classification: Uncertain significance. Last evaluated: 2021-12-29. Review status: criteria provided, single submitter. Criteria: Invitae Variant Classification Sherloc (09022015). Collection method: clinical testing. Allele origin: germline.
Comment: In summary, the available evidence is currently insufficient to determine the role of this variant in disease. Therefore, it has been classified as a Variant of Uncertain Significance. Algorithms developed to predict the effect of missense changes on protein structure and function (SIFT, PolyPhen-2, Align-GVGD) all suggest that this variant is likely to be tolerated. This variant has not been reported in the literature in individuals affected with PRPF4-related conditions. This variant is not present in population databases (gnomAD no frequency). This sequence change replaces arginine, which is basic and polar, with cysteine, which is neutral and slightly polar, at codon 345 of the PRPF4 protein (p.Arg345Cys).

NM_001244926.2(PRPF4):c.1030C>T (p.Arg344Cys)

Gene: PRPF4 (pre-mRNA splicing tri-snRNP complex factor PRPF4; plus strand). Cytogenetic location: 9q32.
Variant type: single nucleotide variant.
Coding change: c.1030C>T on transcript NM_001244926.2 (MANE Select); coding-DNA position 1030, C replaced by T.
Protein change: p.Arg344Cys; replaces arginine 344 with cysteine.
Molecular consequence: missense variant. On other transcripts: non-coding transcript variant (2).
Genome position (GRCh38, 1-based): chr9:113,290,473, C>T. VCF-style: chr9-113290473-C-T. GRCh37 (hg19) VCF-style: chr9-116052753-C-T.
Other names: c.304C>T, p.Arg102Cys (NM_001322266.2, NM_001322267.2); c.1033C>T, p.Arg345Cys (NM_004697.5); short protein forms R344C, R345C, R102C.
Identifiers: ClinVar variation 2065508 (VCV002065508.4), dbSNP rs1832574801, ClinGen allele CA374554997.
Genomic context (GRCh38, chr9:113,290,473, plus strand): 5'-GTAGAAACTGAATAAATATCAGCTGGTTGATTGTTAGTGTGATTTGGTTTTAGCTATGAC[C>T]GTTCATGGCGCTTATGGGATTTGGAGGCTCAAGAGGAGATCCTGCATCAGGAAGGCCATA-3'
Protein context (NP_001231855.1, residues 334-354): GRFLGTTCYD[Arg344Cys]SWRLWDLEAQ